The following is an entry in ClinVar:

ClinVar aggregate classification (germline): Conflicting classifications of pathogenicity. Review status: criteria provided, conflicting classifications (1 of 4 stars). 2 submissions from 2 submitters: Uncertain significance (1); Likely benign (1). Last evaluated 2023-03-23.

Conditions:
Hereditary cancer-predisposing syndrome. Also called: Hereditary neoplastic syndrome; Tumor predisposition; Neoplastic Syndromes, Hereditary; Hereditary Cancer Syndrome. Identifiers: Orphanet 140162, MedGen C0027672, MeSH D009386, MONDO:0015356.
Hereditary breast ovarian cancer syndrome. Also called: Hereditary breast and ovarian cancer; Breast and ovarian cancer; BRCA1- and BRCA2-Associated Hereditary Breast and Ovarian Cancer; Hereditary breast and/or ovarian cancer syndrome; Hereditary breast and ovarian cancer syndrome; Hereditary breast and ovarian cancer syndrome (HBOC). Identifiers: Orphanet 145, MedGen C0677776, MeSH D061325, MONDO:0003582. Disease mechanism: loss of function.

Submissions (2):

University of Washington Department of Laboratory Medicine, University of Washington
Classification: Likely benign for Hereditary cancer-predisposing syndrome. Last evaluated: 2023-03-23. Review status: criteria provided, single submitter. Criteria: Dines et al. (Genet Med. 2020). Collection method: curation. Allele origin: germline.
Comment: Missense variant in a coldspot region where missense variants are very unlikely to be pathogenic (PMID:31911673).

BRCA1 coldspot (exon 11 using historical exon numbering). Reclassification based on statistical prior probability

Labcorp Genetics (formerly Invitae), Labcorp
Classification: Uncertain significance for Hereditary breast ovarian cancer syndrome. Last evaluated: 2021-07-26. Review status: criteria provided, single submitter. Criteria: Invitae Variant Classification Sherloc (09022015). Collection method: clinical testing. Allele origin: germline.
Comment: This variant has not been reported in the literature in individuals affected with BRCA1-related conditions. This variant is not present in population databases (ExAC no frequency). This sequence change replaces lysine with threonine at codon 450 of the BRCA1 protein (p.Lys450Thr). The lysine residue is moderately conserved and there is a moderate physicochemical difference between lysine and threonine. In summary, the available evidence is currently insufficient to determine the role of this variant in disease. Therefore, it has been classified as a Variant of Uncertain Significance. Advanced modeling of protein sequence and biophysical properties (such as structural, functional, and spatial information, amino acid conservation, physicochemical variation, residue mobility, and thermodynamic stability) performed at Invitae indicates that this missense variant is not expected to disrupt BRCA1 protein function.

NM_007294.4(BRCA1):c.1349A>C (p.Lys450Thr)

Gene: BRCA1 (BRCA1 DNA repair associated; minus strand). Cytogenetic location: 17q21.31.
Variant type: single nucleotide variant.
Coding change: c.1349A>C on transcript NM_007294.4 (MANE Select); coding-DNA position 1349, A replaced by C.
Protein change: p.Lys450Thr; replaces lysine 450 with threonine.
Molecular consequence: missense variant. On other transcripts: intron variant (137).
Genome position (GRCh38, 1-based): chr17:43,094,182, T>G on the plus strand (A>C on the coding strand, the complement: BRCA1 is on the minus strand). VCF-style: chr17-43094182-T-G. GRCh37 (hg19) VCF-style: chr17-41246199-T-G.
Other names: c.1349A>C, p.Lys450Thr (NM_001407598.1, NM_001407605.1, NM_001407602.1 and 30 more transcripts); c.1346A>C, p.Lys449Thr (NM_001407627.1, NM_001407628.1, NM_001407629.1 and 22 more transcripts); c.1340A>C, p.Lys447Thr (NM_001407646.1, NM_001407647.1); c.1226A>C, p.Lys409Thr (NM_001407648.1, NM_001407666.1, NM_001407667.1 and 19 more transcripts); c.1223A>C, p.Lys408Thr (NM_001407649.1, NM_001407670.1, NM_001407671.1 and 11 more transcripts); c.1271A>C, p.Lys424Thr (NM_001407653.1, NM_001407654.1, NM_001407655.1 and 4 more transcripts); c.1208A>C, p.Lys403Thr (NM_001407692.1, NM_001407694.1, NM_001407695.1 and 29 more transcripts); c.1205A>C, p.Lys402Thr (NM_001407749.1, NM_001407838.1, NM_001407839.1 and 20 more transcripts); and 40 more; short protein forms K403T, K450T, K282T, K339T, K383T, K361T, K362T, K379T.
Identifiers: ClinVar variation 1504294 (VCV001504294.11), dbSNP rs778668550, ClinGen allele CA10599351.
Genomic context (GRCh38, chr17:43,094,182, plus strand): 5'-CTTGCCTTCTTCCGATAGGTTTTCCCAAATATTTTGTCTTCAATATTACTCTCTACTGAT[T>G]TGGAGTGAACTCTTTCACTTTTACATATTAAAGCCTCATGAGGATCACTGGCCAGTAAGT-3'
Protein context (NP_009225.1, residues 440-460): LICKSERVHS[Lys450Thr]SVESNIEDKI